The following is an entry in ClinVar:

NM_182916.3(TRNT1):c.184G>T (p.Ala62Ser)

Gene: TRNT1 (tRNA nucleotidyl transferase 1; plus strand). Cytogenetic location: 3p26.2.
Variant type: single nucleotide variant.
Coding change: c.184G>T on transcript NM_182916.3 (MANE Select); coding-DNA position 184, G replaced by T.
Protein change: p.Ala62Ser; replaces alanine 62 with serine.
Molecular consequence: missense variant. On other transcripts: non-coding transcript variant (8).
Genome position (GRCh38, 1-based): chr3:3,137,295, G>T. VCF-style: chr3-3137295-G-T. GRCh37 (hg19) VCF-style: chr3-3178979-G-T.
Other names: c.184G>T, p.Ala62Ser (NM_001302946.2, NM_001367321.1, NM_001367322.1 and 1 more transcripts); short protein forms A62S.
Identifiers: ClinVar variation 851045 (VCV000851045.4), dbSNP rs150902982, ClinGen allele CA2228578.

ClinVar aggregate classification (germline): Uncertain significance (1 of 4 stars; one submission).

Conditions:
Congenital sideroblastic anemia-B-cell immunodeficiency-periodic fever-developmental delay syndrome. Also called: Sideroblastic anemia with B-cell immunodeficiency, periodic fevers, and developmental delay. Identifiers: Orphanet 369861, MedGen C4015172, MONDO:0014487, OMIM 616084.

Allele frequency attached by ClinVar (database versions not stated): TOPMed 0.00001; ExAC 0.00002; gnomAD 0.00002; gnomAD exomes 0.00002 and 0.00003; ESP Exome Variant Server 0.00008.

Submission:

Labcorp Genetics (formerly Invitae), Labcorp
Classification: Uncertain significance for Congenital sideroblastic anemia-B-cell immunodeficiency-periodic fever-developmental delay syndrome. Last evaluated: 2022-06-15. Review status: criteria provided, single submitter. Criteria: Invitae Variant Classification Sherloc (09022015). Collection method: clinical testing. Allele origin: germline.
Comment: In summary, the available evidence is currently insufficient to determine the role of this variant in disease. Therefore, it has been classified as a Variant of Uncertain Significance. Algorithms developed to predict the effect of missense changes on protein structure and function are either unavailable or do not agree on the potential impact of this missense change (SIFT: "Tolerated"; PolyPhen-2: "Probably Damaging"; Align-GVGD: "Class C0"). ClinVar contains an entry for this variant (Variation ID: 851045). This variant has not been reported in the literature in individuals affected with TRNT1-related conditions. This variant is present in population databases (rs150902982, gnomAD 0.004%). This sequence change replaces alanine, which is neutral and non-polar, with serine, which is neutral and polar, at codon 62 of the TRNT1 protein (p.Ala62Ser).